The following is an entry in ClinVar:

ClinVar aggregate classification (germline): Benign. Review status: criteria provided, multiple submitters, no conflicts (2 of 4 stars). 2 submissions from 2 submitters: Benign (2). Last evaluated 2018-01-13.

Conditions:
Autosomal recessive congenital ichthyosis 6 (ARCI6). Identifiers: Orphanet 313, Orphanet 79394, MedGen C2677065, MONDO:0012847, OMIM 612281.

Allele frequency attached by ClinVar (database versions not stated): 1000 Genomes Project 0.03874; 1000 Genomes Project 30x 0.03998; TOPMed 0.06069; gnomAD 0.06119 and 0.06391.
gnomAD v4.1: 76,152 of 1,232,674 alleles (6.2%); highest among the groups gnomAD compares: Middle Eastern, 7.8%; 2,560 homozygotes.

Submissions (2):

Illumina Laboratory Services, Illumina
Classification: Benign for Autosomal recessive congenital ichthyosis 6. Last evaluated: 2018-01-13. Review status: criteria provided, single submitter. Criteria: ICSL Variant Classification Criteria 13 December 2019. Collection method: clinical testing. Allele origin: germline.
Comment: This variant was observed in the ICSL laboratory as part of a predisposition screen in an ostensibly healthy population. It had not been previously curated by ICSL or reported in the Human Gene Mutation Database (HGMD: prior to June 1st, 2018), and was therefore a candidate for classification through an automated scoring system. Utilizing variant allele frequency, disease prevalence and penetrance estimates, and inheritance mode, an automated score was calculated to assess if this variant is too frequent to cause the disease. Based on the score and internal cut-off values, a variant classified as benign is not then subjected to further curation. The score for this variant resulted in a classification of benign for this disease.

GeneDx
Classification: Benign. Last evaluated: 2015-03-03. Review status: criteria provided, single submitter. Criteria: GeneDx Variant Classification Process June 2021. Collection method: clinical testing. Allele origin: germline. Affected: yes.

NM_001099287.2(NIPAL4):c.*79C>T

Gene: NIPAL4 (NIPA like domain containing 4; plus strand). Cytogenetic location: 5q33.3.
Variant type: single nucleotide variant.
Coding change: c.*79C>T on transcript NM_001099287.2 (MANE Select); 79 bases downstream of the stop codon, C replaced by T.
Molecular consequence: 3 prime UTR variant.
Genome position (GRCh38, 1-based): chr5:157,473,039, C>T. VCF-style: chr5-157473039-C-T. GRCh37 (hg19) VCF-style: chr5-156900047-C-T.
Other names: c.*79C>T (NM_001172292.2).
Identifiers: ClinVar variation 352526 (VCV000352526.7), dbSNP rs9313608, ClinGen allele CA10623987.